The following is an entry in ClinVar:

NM_002691.4(POLD1):c.483G>C (p.Met161Ile)

Gene: POLD1 (DNA polymerase delta 1, catalytic subunit; plus strand). Cytogenetic location: 19q13.33.
Variant type: single nucleotide variant.
Coding change: c.483G>C on transcript NM_002691.4 (MANE Select); coding-DNA position 483, G replaced by C.
Protein change: p.Met161Ile; replaces methionine 161 with isoleucine.
Molecular consequence: missense variant. On other transcripts: non-coding transcript variant (1).
Genome position (GRCh38, 1-based): chr19:50,402,018, G>C. VCF-style: chr19-50402018-G-C. GRCh37 (hg19) VCF-style: chr19-50905275-G-C.
Other names: c.483G>C, p.Met161Ile (NM_001256849.1, NM_001308632.1); short protein forms M161I.
Identifiers: ClinVar variation 846568 (VCV000846568.9), dbSNP rs1419541816, ClinGen allele CA406972959.

ClinVar aggregate classification (germline): Conflicting classifications of pathogenicity. Review status: criteria provided, conflicting classifications (1 of 4 stars). 2 submissions from 2 submitters: Uncertain significance (1); Likely benign (1). Last evaluated 2024-03-13.

Conditions:
Hereditary cancer-predisposing syndrome. Also called: Tumor predisposition; Hereditary Cancer Syndrome; Hereditary neoplastic syndrome; Neoplastic Syndromes, Hereditary. Identifiers: Orphanet 140162, MedGen C0027672, MeSH D009386, MONDO:0015356.
POLD1-related polyposis and colorectal cancer syndrome (CRCS10). Also called: Colorectal cancer 10; COLORECTAL CANCER, SUSCEPTIBILITY TO, ON CHROMOSOME 19q; Colorectal cancer, susceptibility to, 10. Identifiers: Orphanet 220460, MedGen C2675481, MONDO:0012953, OMIM 612591.

Allele frequency attached by ClinVar (database versions not stated): gnomAD exomes below 0.00001 and 0.00001.

Submissions (2):

Ambry Genetics
Classification: Likely benign for Hereditary cancer-predisposing syndrome. Last evaluated: 2024-03-13. Review status: criteria provided, single submitter. Criteria: Ambry Variant Classification Scheme 2023. Collection method: clinical testing. Allele origin: germline.

Labcorp Genetics (formerly Invitae), Labcorp
Classification: Uncertain significance for POLD1-related polyposis and colorectal cancer syndrome. Last evaluated: 2024-02-01. Review status: criteria provided, single submitter. Criteria: Invitae Variant Classification Sherloc (09022015). Collection method: clinical testing. Allele origin: germline.
Comment: This sequence change replaces methionine, which is neutral and non-polar, with isoleucine, which is neutral and non-polar, at codon 161 of the POLD1 protein (p.Met161Ile). This variant is present in population databases (no rsID available, gnomAD 0.0009%). This variant has not been reported in the literature in individuals affected with POLD1-related conditions. ClinVar contains an entry for this variant (Variation ID: 846568). Advanced modeling of protein sequence and biophysical properties (such as structural, functional, and spatial information, amino acid conservation, physicochemical variation, residue mobility, and thermodynamic stability) performed at Invitae indicates that this missense variant is not expected to disrupt POLD1 protein function with a negative predictive value of 80%. In summary, the available evidence is currently insufficient to determine the role of this variant in disease. Therefore, it has been classified as a Variant of Uncertain Significance.